The following is an entry in ClinVar:

NM_016333.4(SRRM2):c.4056_4059del (p.Glu1353fs)

Gene: SRRM2 (serine/arginine repetitive matrix 2; plus strand). Cytogenetic location: 16p13.3.
Variant type: Deletion.
Coding change: c.4056_4059del on transcript NM_016333.4 (MANE Select); coding-DNA positions 4056 to 4059, 4 bases deleted (AGAA; older notation c.4056_4059delAGAA).
Protein change: p.Glu1353fs; shifts the reading frame from glutamic acid 1353.
Molecular consequence: frameshift variant.
Genome position (GRCh38, 1-based): chr16:2,764,584-2,764,587, AGAA deleted; deleting any 4 consecutive bases within chr16:2,764,582-2,764,587 gives the same sequence; the c. name uses the placement nearest the transcript's 3' end. VCF-style (leftmost placement, unchanged base first): chr16-2764581-TAAAG-T. GRCh37 (hg19) VCF-style: chr16-2814582-TAAAG-T.
Other names: c.4056_4059delAGAA (NM_016333.3); short protein forms E1353fs.
Identifiers: ClinVar variation 4294394 (VCV004294394.2).
Genomic context (GRCh38, chr16:2,764,581, plus strand): 5'-AGAATTTAGAAACTCAGGCCCACTTGGTACAGAAATGAATACTGGATTTTCTTCTGAGGT[TAAAG>T]AAGATTTGAATGGACCGTTTCTTAATCAGCTGGAAACAGATCCATCTCTAGACATGAAAG-3'

ClinVar aggregate classification (germline): Pathogenic. Review status: criteria provided, multiple submitters, no conflicts (2 of 4 stars). 2 submissions from 2 submitters: Pathogenic (2). Last evaluated 2026-09-08.

Conditions:
Inborn genetic diseases. Identifiers: MedGen C0950123, MeSH D030342.
Intellectual developmental disorder, autosomal dominant 72 (MRD72). Identifiers: Orphanet 652487, MedGen C5830612, MONDO:0957397, OMIM 620439.

Submissions (2):

Ambry Genetics
Classification: Pathogenic for Inborn genetic diseases. Last evaluated: 2026-09-08. Review status: criteria provided, single submitter. Criteria: Ambry Variant Classification Scheme 2023. Collection method: clinical testing. Allele origin: germline.
Comment: The c.4056_4059delAGAA (p.E1353Ifs*2) alteration, located in exon 11 (coding exon 10) of the SRRM2 gene, consists of a deletion of 4 nucleotides from position 4056 to 4059, causing a translational frameshift with a predicted alternate stop codon after 2 amino acids. This variant is expected to result in loss of function by premature protein truncation or nonsense-mediated mRNA decay. This variant was not reported in population-based cohorts in the Genome Aggregation Database (gnomAD). Based on the available evidence, this alteration is classified as pathogenic.

Laboratoire Génétique Moléculaire, CHRU TOURS
Classification: Pathogenic for Intellectual developmental disorder, autosomal dominant 72. Last evaluated: 2025-03-17. Review status: criteria provided, single submitter. Criteria: ACMG Guidelines, 2015. Collection method: clinical testing. Allele origin: maternal. Affected: yes.
Comment: PVS1;PM2;PP4